The following is an entry in ClinVar:

ClinVar aggregate classification (germline): Uncertain significance (1 of 4 stars; one submission).

Submission:

Labcorp Genetics (formerly Invitae), Labcorp
Classification: Uncertain significance. Last evaluated: 2025-05-19. Review status: criteria provided, single submitter. Criteria: Invitae Variant Classification Sherloc (09022015). Collection method: clinical testing. Allele origin: germline.
Comment: This sequence change replaces glutamic acid, which is acidic and polar, with lysine, which is basic and polar, at codon 1671 of the ABCA3 protein (p.Glu1671Lys). This variant is not present in population databases (gnomAD no frequency). This variant has not been reported in the literature in individuals affected with ABCA3-related conditions. Invitae Evidence Modeling of protein sequence and biophysical properties (such as structural, functional, and spatial information, amino acid conservation, physicochemical variation, residue mobility, and thermodynamic stability) indicates that this missense variant is not expected to disrupt ABCA3 protein function with a negative predictive value of 80%. In summary, the available evidence is currently insufficient to determine the role of this variant in disease. Therefore, it has been classified as a Variant of Uncertain Significance.

NM_001089.3(ABCA3):c.5011G>A (p.Glu1671Lys)

Gene: ABCA3 (ATP binding cassette subfamily A member 3; minus strand). Cytogenetic location: 16p13.3.
Variant type: single nucleotide variant.
Coding change: c.5011G>A on transcript NM_001089.3 (MANE Select); coding-DNA position 5011, G replaced by A.
Protein change: p.Glu1671Lys; replaces glutamic acid 1671 with lysine.
Molecular consequence: missense variant.
Genome position (GRCh38, 1-based): chr16:2,276,778, C>T on the plus strand (G>A on the coding strand, the complement: ABCA3 is on the minus strand). VCF-style: chr16-2276778-C-T. GRCh37 (hg19) VCF-style: chr16-2326779-C-T.
Other names: short protein forms E1671K.
Identifiers: ClinVar variation 4742062 (VCV004742062.1).